The following is an entry in ClinVar:

NM_001370100.5(ZMYND11):c.1685G>C (p.Trp562Ser)

Genes: ZMYND11 (zinc finger MYND-type containing 11; plus strand), LOC126860802 (BRD4-independent group 4 enhancer GRCh37_chr10:294268-295467; plus strand). Cytogenetic location: 10p15.3.
Variant type: single nucleotide variant.
Coding change: c.1685G>C on transcript NM_001370100.5 (MANE Select); coding-DNA position 1685, G replaced by C.
Protein change: p.Trp562Ser; replaces tryptophan 562 with serine.
Molecular consequence: missense variant. On other transcripts: non-coding transcript variant (1).
Genome position (GRCh38, 1-based): chr10:249,087, G>C. VCF-style: chr10-249087-G-C. GRCh37 (hg19) VCF-style: chr10-295027-G-C.
Other names: c.1523G>C, p.Trp508Ser (NM_001202464.3, NM_001202467.1, NM_001370103.2 and 6 more transcripts); c.1430G>C, p.Trp477Ser (NM_001202465.3, NM_001370110.2); c.1520G>C, p.Trp507Ser (NM_001202466.3, NM_001370111.2); c.1685G>C, p.Trp562Ser (NM_001202468.1, NM_001370097.3, NM_001370098.2 and 4 more transcripts); c.1634G>C, p.Trp545Ser (NM_001330057.3, NM_001370112.2); c.1592G>C, p.Trp531Ser (NM_001370113.2, NM_001370114.2); c.1682G>C, p.Trp561Ser (NM_001370115.2, NM_212479.4); c.1619G>C, p.Trp540Ser (NM_001370116.2); and 8 more; short protein forms W405S, W443S, W460S, W468S, W477S, W486S, W507S, W508S.
Identifiers: ClinVar variation 1064585 (VCV001064585.1), dbSNP rs2131979217, ClinGen allele CA375823962.

ClinVar aggregate classification (germline): Likely pathogenic (0 of 4 stars; one submission).

Conditions:
Intellectual developmental disorder, autosomal dominant 30, with speech delay and behavioral abnormalities. Also called: Intellectual disability, autosomal dominant 30. Identifiers: Orphanet 436151, MedGen C4015167, MONDO:0014486, OMIM 616083.

Submission:

Institute of Human Genetics, University of Leipzig Medical Center
Classification: Likely pathogenic for Intellectual developmental disorder, autosomal dominant 30, with speech delay and behavioral abnormalities. Last evaluated: 2021-04-13. Review status: no assertion criteria provided. Collection method: clinical testing. Allele origin: maternal. Inheritance: Sporadic. Affected: yes.
Comment: Abnormal sleep architecture. Generalised excessive beta activity; slowing over left temporal and bilateral posterior quadrants; multifocal epileptiform discharges independently in right frontal, right parietal, left temporal regions.Neuropsych/development: 7y M. Speech delay, normal motor milestones, FSIQ 75. ADHD, special education support, concern for autism. OFC 90th centile. MRI Chiari I abnormality; small area of signal abnormality in anterior right temporal subcortical white matter.Dysmorphism: Deep set eyes, mild downslanting palpebral fissures.